The following is an entry in ClinVar:

ClinVar aggregate classification (germline): Conflicting classifications of pathogenicity. Review status: criteria provided, conflicting classifications (1 of 4 stars). 2 submissions from 2 submitters: Uncertain significance (1); Likely benign (1). Last evaluated 2023-03-23.

Conditions:
Hereditary cancer-predisposing syndrome. Also called: Hereditary Cancer Syndrome; Hereditary neoplastic syndrome; Neoplastic Syndromes, Hereditary; Tumor predisposition. Identifiers: Orphanet 140162, MedGen C0027672, MeSH D009386, MONDO:0015356.
Hereditary breast ovarian cancer syndrome. Also called: Hereditary breast and ovarian cancer syndrome (HBOC); Breast and ovarian cancer; Hereditary breast and/or ovarian cancer syndrome; BRCA1- and BRCA2-Associated Hereditary Breast and Ovarian Cancer; Hereditary breast and ovarian cancer syndrome; Hereditary breast and ovarian cancer. Identifiers: Orphanet 145, MedGen C0677776, MeSH D061325, MONDO:0003582. Disease mechanism: loss of function.

Submissions (2):

University of Washington Department of Laboratory Medicine, University of Washington
Classification: Likely benign for Hereditary cancer-predisposing syndrome. Last evaluated: 2023-03-23. Review status: criteria provided, single submitter. Criteria: Dines et al. (Genet Med. 2020). Collection method: curation. Allele origin: germline.
Comment: Missense variant in a coldspot region where missense variants are very unlikely to be pathogenic (PMID:31911673).

BRCA2 exon 11 coldspot. Reclassification based on statistical prior probability.

Labcorp Genetics (formerly Invitae), Labcorp
Classification: Uncertain significance for Hereditary breast ovarian cancer syndrome. Last evaluated: 2020-09-13. Review status: criteria provided, single submitter. Criteria: Invitae Variant Classification Sherloc (09022015). Collection method: clinical testing. Allele origin: germline.
Comment: In summary, the available evidence is currently insufficient to determine the role of this variant in disease. Therefore, it has been classified as a Variant of Uncertain Significance. Advanced modeling of protein sequence and biophysical properties (such as structural, functional, and spatial information, amino acid conservation, physicochemical variation, residue mobility, and thermodynamic stability) performed at Invitae indicates that this missense variant is not expected to disrupt BRCA2 protein function. This variant has not been reported in the literature in individuals with BRCA2-related conditions. This variant is not present in population databases (ExAC no frequency). This sequence change replaces lysine with threonine at codon 1026 of the BRCA2 protein (p.Lys1026Thr). The lysine residue is moderately conserved and there is a moderate physicochemical difference between lysine and threonine.

NM_000059.4(BRCA2):c.3077A>C (p.Lys1026Thr)

Gene: BRCA2 (BRCA2 DNA repair associated; plus strand). Cytogenetic location: 13q13.1.
Variant type: single nucleotide variant.
Coding change: c.3077A>C on transcript NM_000059.4 (MANE Select); coding-DNA position 3077, A replaced by C.
Protein change: p.Lys1026Thr; replaces lysine 1026 with threonine.
Molecular consequence: missense variant.
Genome position (GRCh38, 1-based): chr13:32,337,432, A>C. VCF-style: chr13-32337432-A-C. GRCh37 (hg19) VCF-style: chr13-32911569-A-C.
Other names: short protein forms K1026T.
Identifiers: ClinVar variation 1062832 (VCV001062832.10), dbSNP rs1060502380, ClinGen allele CA387775196.